The following is an entry in ClinVar:

NM_005566.4(LDHA):c.52A>G (p.Thr18Ala)

Gene: LDHA (lactate dehydrogenase A; plus strand). Cytogenetic location: 11p15.1.
Variant type: single nucleotide variant.
Coding change: c.52A>G on transcript NM_005566.4 (MANE Select); coding-DNA position 52, A replaced by G.
Protein change: p.Thr18Ala; replaces threonine 18 with alanine.
Molecular consequence: missense variant. On other transcripts: non-coding transcript variant (1).
Genome position (GRCh38, 1-based): chr11:18,396,894, A>G. VCF-style: chr11-18396894-A-G. GRCh37 (hg19) VCF-style: chr11-18418441-A-G.
Other names: c.52A>G, p.Thr18Ala (NM_001135239.2, NM_001165415.2, NM_001165416.2); c.139A>G, p.Thr47Ala (NM_001165414.2); c.52A>G (NM_005566.3); short protein forms T18A, T47A.
Identifiers: ClinVar variation 2070476 (VCV002070476.4), dbSNP rs199585928, ClinGen allele CA5911169.

ClinVar aggregate classification (germline): Uncertain significance. Review status: criteria provided, multiple submitters, no conflicts (2 of 4 stars). 3 submissions from 3 submitters: Uncertain significance (3). Last evaluated 2024-01-10.

Conditions:
Inborn genetic diseases. Identifiers: MedGen C0950123, MeSH D030342.
Glycogen storage disease due to lactate dehydrogenase M-subunit deficiency (GSD11). Also called: Glycogen storage disease XI; GSD XI; LACTATE DEHYDROGENASE A DEFICIENCY. Identifiers: Orphanet 284426, MedGen C2931743, MONDO:0013047, OMIM 612933.

Allele frequency attached by ClinVar (database versions not stated): ExAC 0.00002; TOPMed 0.00004; gnomAD exomes 0.00003; gnomAD 0.00003.
gnomAD v4.1: 53 of 1,613,326 alleles (0.0033%); highest among the groups gnomAD compares: Non-Finnish European, 0.0045%; no homozygotes.

Submissions (3):

Fulgent Genetics
Classification: Uncertain significance for Glycogen storage disease due to lactate dehydrogenase M-subunit deficiency. Last evaluated: 2024-01-10. Review status: criteria provided, single submitter. Criteria: ACMG Guidelines, 2015. Collection method: clinical testing. Allele origin: germline.

Ambry Genetics
Classification: Uncertain significance for Inborn genetic diseases. Last evaluated: 2023-09-20. Review status: criteria provided, single submitter. Criteria: Ambry Variant Classification Scheme 2023. Collection method: clinical testing. Allele origin: germline.

Labcorp Genetics (formerly Invitae), Labcorp
Classification: Uncertain significance for Glycogen storage disease due to lactate dehydrogenase M-subunit deficiency. Last evaluated: 2022-04-15. Review status: criteria provided, single submitter. Criteria: Invitae Variant Classification Sherloc (09022015). Collection method: clinical testing. Allele origin: germline.
Comment: This variant has not been reported in the literature in individuals affected with LDHA-related conditions. This sequence change replaces threonine, which is neutral and polar, with alanine, which is neutral and non-polar, at codon 18 of the LDHA protein (p.Thr18Ala). This variant is present in population databases (rs199585928, gnomAD 0.003%). Algorithms developed to predict the effect of missense changes on protein structure and function output the following: SIFT: "Tolerated"; PolyPhen-2: "Benign"; Align-GVGD: "Class C0". The alanine amino acid residue is found in multiple mammalian species, which suggests that this missense change does not adversely affect protein function. In summary, the available evidence is currently insufficient to determine the role of this variant in disease. Therefore, it has been classified as a Variant of Uncertain Significance.